The following is an entry in ClinVar:

NM_020223.4(FAM20C):c.1073-3C>T

Gene: FAM20C (FAM20C golgi associated secretory pathway kinase; plus strand). Cytogenetic location: 7p22.3.
Variant type: single nucleotide variant.
Coding change: c.1073-3C>T on transcript NM_020223.4 (MANE Select); 3 bases into the intron before coding-DNA position 1073, C replaced by T.
Molecular consequence: intron variant.
Genome position (GRCh38, 1-based): chr7:255,846, C>T. VCF-style: chr7-255846-C-T. GRCh37 (hg19) VCF-style: chr7-295812-C-T.
Identifiers: ClinVar variation 2046599 (VCV002046599.2), dbSNP rs2534734935, ClinGen allele CA645562602.

ClinVar aggregate classification (germline): Uncertain significance (1 of 4 stars; one submission).

Submission:

Labcorp Genetics (formerly Invitae), Labcorp
Classification: Uncertain significance. Last evaluated: 2022-08-16. Review status: criteria provided, single submitter. Criteria: Invitae Variant Classification Sherloc (09022015). Collection method: clinical testing. Allele origin: germline.
Comment: In summary, the available evidence is currently insufficient to determine the role of this variant in disease. Therefore, it has been classified as a Variant of Uncertain Significance. Variants that disrupt the consensus splice site are a relatively common cause of aberrant splicing (PMID: 17576681, 9536098). Algorithms developed to predict the effect of sequence changes on RNA splicing suggest that this variant is not likely to affect RNA splicing. This variant has not been reported in the literature in individuals affected with FAM20C-related conditions. This variant is not present in population databases (gnomAD no frequency). This sequence change falls in intron 5 of the FAM20C gene. It does not directly change the encoded amino acid sequence of the FAM20C protein. It affects a nucleotide within the consensus splice site.

Literature cited by the submitters: PubMed 17576681; PubMed 9536098.